The following is an entry in ClinVar:

ClinVar aggregate classification (germline): Pathogenic. Review status: criteria provided, multiple submitters, no conflicts (2 of 4 stars). 2 submissions from 2 submitters: Pathogenic (2). Last evaluated 2024-03-07.

Submissions (2):

Labcorp Genetics (formerly Invitae), Labcorp
Classification: Pathogenic. Last evaluated: 2024-03-07. Review status: criteria provided, single submitter. Criteria: Invitae Variant Classification Sherloc (09022015). Collection method: clinical testing. Allele origin: germline.
Comment: This sequence change creates a premature translational stop signal (p.Leu385Glnfs*9) in the CTNNB1 gene. It is expected to result in an absent or disrupted protein product. Loss-of-function variants in CTNNB1 are known to be pathogenic (PMID: 23033978, 24614104, 25326669, 26350204, 28575650). This variant is not present in population databases (gnomAD no frequency). This variant has not been reported in the literature in individuals affected with CTNNB1-related conditions. ClinVar contains an entry for this variant (Variation ID: 1722942). For these reasons, this variant has been classified as Pathogenic.

GeneDx
Classification: Pathogenic. Last evaluated: 2022-11-03. Review status: criteria provided, single submitter. Criteria: GeneDx Variant Classification Process June 2021. Collection method: clinical testing. Allele origin: germline. Affected: yes.
Comment: Frameshift variant predicted to result in protein truncation or nonsense mediated decay in a gene for which loss-of-function is a known mechanism of disease; Not observed in large population cohorts (gnomAD); Has not been previously published as pathogenic or benign to our knowledge

Literature cited by the submitters: PubMed 23033978 (cited by Labcorp Genetics (formerly Invitae), Labcorp); PubMed 24614104 (cited by Labcorp Genetics (formerly Invitae), Labcorp); PubMed 25326669 (cited by Labcorp Genetics (formerly Invitae), Labcorp); PubMed 26350204 (cited by Labcorp Genetics (formerly Invitae), Labcorp); PubMed 28575650 (cited by Labcorp Genetics (formerly Invitae), Labcorp).

NM_001904.4(CTNNB1):c.1154_1155del (p.Leu385fs)

Gene: CTNNB1 (catenin beta 1; plus strand). Cytogenetic location: 3p22.1.
Variant type: Microsatellite.
Coding change: c.1154_1155del on transcript NM_001904.4 (MANE Select); coding-DNA positions 1154 to 1155, 2 bases deleted (TC; older notation c.1154_1155delTC).
Protein change: p.Leu385fs; shifts the reading frame from leucine 385.
Molecular consequence: frameshift variant.
Genome position (GRCh38, 1-based): chr3:41,233,413-41,233,414, TC deleted; deleting any 2 consecutive bases within chr3:41,233,410-41,233,414 gives the same sequence; the c. name uses the placement nearest the transcript's 3' end. VCF-style (leftmost placement, unchanged base first): chr3-41233409-ACT-A. GRCh37 (hg19) VCF-style: chr3-41274900-ACT-A.
Other names: c.1154_1155del, p.Leu385fs (NM_001098209.2, NM_001098210.2); c.1133_1134del, p.Leu378fs (NM_001330729.2); short protein forms L378fs, L385fs.
Identifiers: ClinVar variation 1722942 (VCV001722942.4), dbSNP rs2470825988, ClinGen allele CA2580614216.